The following is an entry in ClinVar:

NM_000492.4(CFTR):c.646T>C (p.Trp216Arg)

Gene: CFTR (CF transmembrane conductance regulator; plus strand). Cytogenetic location: 7q31.2.
Variant type: single nucleotide variant.
Coding change: c.646T>C on transcript NM_000492.4 (MANE Select); coding-DNA position 646, T replaced by C.
Protein change: p.Trp216Arg; replaces tryptophan 216 with arginine.
Molecular consequence: missense variant.
Genome position (GRCh38, 1-based): chr7:117,535,314, T>C. VCF-style: chr7-117535314-T-C. GRCh37 (hg19) VCF-style: chr7-117175368-T-C.
Other names: short protein forms W216R.
Identifiers: ClinVar variation 1210379 (VCV001210379.5), dbSNP rs1562890551, ClinGen allele CA368976941.

ClinVar aggregate classification (germline): Uncertain significance. Review status: criteria provided, multiple submitters, no conflicts (2 of 4 stars). 3 submissions from 2 submitters: Uncertain significance (3). Last evaluated 2021-07-22.

Conditions:
Cystic fibrosis (CF). Also called: MUCOVISCIDOSIS. Identifiers: Orphanet 586, MedGen C0010674, MONDO:0009061, OMIM 219700. Disease mechanism: loss of function.
Congenital bilateral aplasia of vas deferens from CFTR mutation (CBAVD). Identifiers: Orphanet 48, MedGen C0403814, MONDO:0010178, OMIM 277180. Disease mechanism: loss of function.

Allele frequency attached by ClinVar (database versions not stated): gnomAD exomes below 0.00001.

Submissions (3):

Genome-Nilou Lab
Classification: Uncertain significance for Cystic fibrosis. Last evaluated: 2021-07-22. Review status: criteria provided, single submitter. Criteria: ACMG Guidelines, 2015. Collection method: clinical testing. Allele origin: germline. Affected: no.

Genome-Nilou Lab
Classification: Uncertain significance for Congenital bilateral aplasia of vas deferens from CFTR mutation. Last evaluated: 2021-07-22. Review status: criteria provided, single submitter. Criteria: ACMG Guidelines, 2015. Collection method: clinical testing. Allele origin: germline. Affected: no.

Ambry Genetics
Classification: Uncertain significance for Cystic fibrosis. Last evaluated: 2020-11-16. Review status: criteria provided, single submitter. Criteria: Ambry Variant Classification Scheme 2023. Collection method: clinical testing. Allele origin: germline.
Comment: The p.W216R variant (also known as c.646T>C), located in coding exon 6 of the CFTR gene, results from a T to C substitution at nucleotide position 646. The tryptophan at codon 216 is replaced by arginine, an amino acid with dissimilar properties. This amino acid position is highly conserved in available vertebrate species. In addition, this alteration is predicted to be deleterious by in silico analysis. Since supporting evidence is limited at this time, the clinical significance of this alteration remains unclear.